The following is an entry in ClinVar:

NM_000312.4(PROC):c.505G>C (p.Gly169Arg)

Gene: PROC (protein C, inactivator of coagulation factors Va and VIIIa; plus strand). Cytogenetic location: 2q14.3.
Variant type: single nucleotide variant.
Coding change: c.505G>C on transcript NM_000312.4 (MANE Select); coding-DNA position 505, G replaced by C.
Protein change: p.Gly169Arg; replaces glycine 169 with arginine.
Molecular consequence: missense variant.
Genome position (GRCh38, 1-based): chr2:127,423,378, G>C. VCF-style: chr2-127423378-G-C. GRCh37 (hg19) VCF-style: chr2-128180954-G-C.
Other names: c.688G>C, p.Gly230Arg (NM_001375602.1); c.670G>C, p.Gly224Arg (NM_001375603.1); c.568G>C, p.Gly190Arg (NM_001375604.1); c.607G>C, p.Gly203Arg (NM_001375605.1); c.673G>C, p.Gly225Arg (NM_001375606.1); c.691G>C, p.Gly231Arg (NM_001375607.1); c.448G>C, p.Gly150Arg (NM_001375608.1); c.481G>C, p.Gly161Arg (NM_001375609.1); and 2 more; short protein forms G167R, G190R, G224R, G203R, G230R, G150R, G161R, G169R.
Identifiers: ClinVar variation 3677206 (VCV003677206.2).

ClinVar aggregate classification (germline): Uncertain significance (1 of 4 stars; one submission).

Conditions:
Thrombophilia due to protein C deficiency, autosomal dominant. Also called: PROC DEFICIENCY, AUTOSOMAL DOMINANT; PROTEIN C DEFICIENCY, AUTOSOMAL DOMINANT. Identifiers: Orphanet 745, MedGen C2674321, MONDO:0008316, OMIM 176860. Disease mechanism: loss of function.

Submission:

Labcorp Genetics (formerly Invitae), Labcorp
Classification: Uncertain significance for Thrombophilia due to protein C deficiency, autosomal dominant. Last evaluated: 2025-01-21. Review status: criteria provided, single submitter. Criteria: Invitae Variant Classification Sherloc (09022015). Collection method: clinical testing. Allele origin: germline.
Comment: This sequence change replaces glycine, which is neutral and non-polar, with arginine, which is basic and polar, at codon 169 of the PROC protein (p.Gly169Arg). This variant is not present in population databases (gnomAD no frequency). This variant has not been reported in the literature in individuals affected with PROC-related conditions. Invitae Evidence Modeling of protein sequence and biophysical properties (such as structural, functional, and spatial information, amino acid conservation, physicochemical variation, residue mobility, and thermodynamic stability) indicates that this missense variant is not expected to disrupt PROC protein function with a negative predictive value of 80%. In summary, the available evidence is currently insufficient to determine the role of this variant in disease. Therefore, it has been classified as a Variant of Uncertain Significance.